The following is an entry in ClinVar:

ClinVar aggregate classification (germline): Uncertain significance. Review status: criteria provided, multiple submitters, no conflicts (2 of 4 stars). 2 submissions from 2 submitters: Uncertain significance (2). Last evaluated 2024-08-27.

Conditions:
Inborn genetic diseases. Identifiers: MedGen C0950123, MeSH D030342.

Allele frequency attached by ClinVar (database versions not stated): ExAC 0.00001; TOPMed 0.00001; gnomAD exomes 0.00002; gnomAD 0.00003; ESP Exome Variant Server 0.00008.
gnomAD v4.1: 38 of 1,614,058 alleles (0.0024%); highest among the groups gnomAD compares: Non-Finnish European, 0.003%; no homozygotes.

Submissions (2):

Ambry Genetics
Classification: Uncertain significance for Inborn genetic diseases. Last evaluated: 2024-08-27. Review status: criteria provided, single submitter. Criteria: Ambry Variant Classification Scheme 2023. Collection method: clinical testing. Allele origin: germline.

Labcorp Genetics (formerly Invitae), Labcorp
Classification: Uncertain significance. Last evaluated: 2022-08-07. Review status: criteria provided, single submitter. Criteria: Invitae Variant Classification Sherloc (09022015). Collection method: clinical testing. Allele origin: germline.
Comment: This sequence change replaces glutamic acid, which is acidic and polar, with glycine, which is neutral and non-polar, at codon 3902 of the VPS13D protein (p.Glu3902Gly). This variant is present in population databases (rs376000129, gnomAD 0.004%). This variant has not been reported in the literature in individuals affected with VPS13D-related conditions. ClinVar contains an entry for this variant (Variation ID: 1495409). Algorithms developed to predict the effect of missense changes on protein structure and function are either unavailable or do not agree on the potential impact of this missense change (SIFT: "Not Available"; PolyPhen-2: "Probably Damaging"; Align-GVGD: "Not Available"). In summary, the available evidence is currently insufficient to determine the role of this variant in disease. Therefore, it has been classified as a Variant of Uncertain Significance.

NM_015378.4(VPS13D):c.11705A>G (p.Glu3902Gly)

Gene: VPS13D (vacuolar protein sorting 13 homolog D; plus strand). Cytogenetic location: 1p36.22.
Variant type: single nucleotide variant.
Coding change: c.11705A>G on transcript NM_015378.4 (MANE Select); coding-DNA position 11705, A replaced by G.
Protein change: p.Glu3902Gly; replaces glutamic acid 3902 with glycine.
Molecular consequence: missense variant.
Genome position (GRCh38, 1-based): chr1:12,400,251, A>G. VCF-style: chr1-12400251-A-G. GRCh37 (hg19) VCF-style: chr1-12460308-A-G.
Other names: c.11630A>G, p.Glu3877Gly (NM_018156.4); c.11705A>G (NM_015378.2); short protein forms E3877G, E3902G.
Identifiers: ClinVar variation 1495409 (VCV001495409.4), dbSNP rs376000129, ClinGen allele CA604014.